The following is an entry in ClinVar:

NM_000021.4(PSEN1):c.547G>A (p.Gly183Arg)

Gene: PSEN1 (presenilin 1; plus strand). Cytogenetic location: 14q24.2.
Variant type: single nucleotide variant.
Coding change: c.547G>A on transcript NM_000021.4 (MANE Select); coding-DNA position 547, G replaced by A.
Protein change: p.Gly183Arg; replaces glycine 183 with arginine.
Molecular consequence: missense variant.
Genome position (GRCh38, 1-based): chr14:73,186,919, G>A. VCF-style: chr14-73186919-G-A. GRCh37 (hg19) VCF-style: chr14-73653627-G-A.
Other names: c.535G>A, p.Gly179Arg (NM_007318.3); short protein forms G179R, G183R.
Identifiers: ClinVar variation 4854876 (VCV004854876.1).

ClinVar aggregate classification (germline): Uncertain significance (1 of 4 stars; one submission).

Conditions:
Alzheimer disease 3 (AD3). Also called: ALZHEIMER DISEASE, FAMILIAL, 3. Identifiers: Orphanet 1020, MedGen C1843013, MONDO:0011913, OMIM 607822.

Submission:

3billion
Classification: Uncertain significance for Alzheimer disease 3. Last evaluated: 2025-06-24. Review status: criteria provided, single submitter. Criteria: ACMG Guidelines, 2015. Collection method: clinical testing. Allele origin: germline. Affected: yes.
Comment: The variant is not observed in the gnomAD v4.1.0 dataset. Predicted Consequence/Location: No sentences No sentences No sentences Therefore, this variant is classified as VUS according to the recommendation of ACMG/AMP guideline.

Literature cited by the submitters: PubMed 15122701.